The following is an entry in ClinVar:

ClinVar aggregate classification (germline): Uncertain significance (1 of 4 stars; one submission).

Conditions:
Inborn genetic diseases. Identifiers: MedGen C0950123, MeSH D030342.

gnomAD v4.1: 6 of 1,492,660 alleles (0.0004%); highest among the groups gnomAD compares: Non-Finnish European, 0.00054%; no homozygotes.

Submission:

Ambry Genetics
Classification: Uncertain significance for Inborn genetic diseases. Last evaluated: 2024-12-09. Review status: criteria provided, single submitter. Criteria: Ambry Variant Classification Scheme 2023. Collection method: clinical testing. Allele origin: germline.
Comment: The p.K2R variant (also known as c.5A>G), located in coding exon 1 of the ASXL1 gene, results from an A to G substitution at nucleotide position 5. The lysine at codon 2 is replaced by arginine, an amino acid with highly similar properties. This amino acid position is conserved. In addition, this alteration is predicted to be tolerated by in silico analysis. Based on the available evidence, the clinical significance of this variant remains unclear.

NM_015338.6(ASXL1):c.5A>G (p.Lys2Arg)

Gene: ASXL1 (ASXL transcriptional regulator 1; plus strand). Cytogenetic location: 20q11.21.
Variant type: single nucleotide variant.
Coding change: c.5A>G on transcript NM_015338.6 (MANE Select); coding-DNA position 5, A replaced by G.
Protein change: p.Lys2Arg; replaces lysine 2 with arginine.
Molecular consequence: missense variant.
Genome position (GRCh38, 1-based): chr20:32,358,780, A>G. VCF-style: chr20-32358780-A-G. GRCh37 (hg19) VCF-style: chr20-30946583-A-G.
Other names: c.5A>G, p.Lys2Arg (NM_001164603.1); short protein forms K2R.
Identifiers: ClinVar variation 3439883 (VCV003439883.1).
Genomic context (GRCh38, chr20:32,358,780, plus strand): 5'-CAGCCCGCCCAGCCCGGAGGTCCCGCGTGGAGCTGCCGCCGCCGCCGGGGAGAAGGATGA[A>G]GGACAAACAGAAGAAGAAGAAGGAGCGCACGTGGGCCGAGGCCGCGCGCCTGGTGAGGCG-3'
Protein context (NP_056153.2, residues 1-12): M[Lys2Arg]DKQKKKKERT